The following is an entry in ClinVar:

NM_052963.3(TOP1MT):c.499del (p.Ala167fs)

Gene: TOP1MT (DNA topoisomerase I mitochondrial; minus strand). Cytogenetic location: 8q24.3.
Variant type: Deletion.
Coding change: c.499del on transcript NM_052963.3 (MANE Select); coding-DNA position 499, one base deleted (G; older notation c.499delG).
Protein change: p.Ala167fs; shifts the reading frame from alanine 167.
Molecular consequence: frameshift variant.
Genome position (GRCh38, 1-based): chr8:143,325,518, C deleted on the plus strand (G on the coding strand, the reverse complement: TOP1MT is on the minus strand); the first of 2 consecutive C bases (chr8:143,325,518-143,325,519); deleting either gives the same sequence. VCF-style (leftmost placement, unchanged base first): chr8-143325517-GC-G. GRCh37 (hg19) VCF-style: chr8-144407687-GC-G.
Other names: c.205del, p.Ala69fs (NM_001258446.1, NM_001258447.1); short protein forms A167fs, A69fs.
Identifiers: ClinVar variation 2004281 (VCV002004281.4), dbSNP rs2537438022, ClinGen allele CA2580078623.

ClinVar aggregate classification (germline): Uncertain significance (1 of 4 stars; one submission).

Submission:

Labcorp Genetics (formerly Invitae), Labcorp
Classification: Uncertain significance. Last evaluated: 2021-12-28. Review status: criteria provided, single submitter. Criteria: Invitae Variant Classification Sherloc (09022015). Collection method: clinical testing. Allele origin: germline.
Comment: In summary, the available evidence is currently insufficient to determine the role of this variant in disease. Therefore, it has been classified as a Variant of Uncertain Significance. This variant has not been reported in the literature in individuals affected with TOP1MT-related conditions. This variant is not present in population databases (gnomAD no frequency). This sequence change creates a premature translational stop signal (p.Ala167Glnfs*13) in the TOP1MT gene. It is expected to result in an absent or disrupted protein product. However, the current clinical and genetic evidence is not sufficient to establish whether loss-of-function variants in TOP1MT cause disease.